The following is an entry in ClinVar:

ClinVar aggregate classification (germline): Pathogenic/Likely pathogenic. Review status: criteria provided, multiple submitters, no conflicts (2 of 4 stars). 4 submissions from 4 submitters: Pathogenic (2); Likely pathogenic (1). 1 of the submissions does not count toward it. Last evaluated 2025-03-04.

Conditions:
Hereditary cancer-predisposing syndrome. Also called: Tumor predisposition; Neoplastic Syndromes, Hereditary; Hereditary Cancer Syndrome; Hereditary neoplastic syndrome. Identifiers: Orphanet 140162, MedGen C0027672, MeSH D009386, MONDO:0015356.
Hereditary breast ovarian cancer syndrome. Also called: Hereditary breast and ovarian cancer; Hereditary breast and ovarian cancer syndrome (HBOC); BRCA1- and BRCA2-Associated Hereditary Breast and Ovarian Cancer; Breast and ovarian cancer; Hereditary breast and ovarian cancer syndrome; Hereditary breast and/or ovarian cancer syndrome. Identifiers: Orphanet 145, MedGen C0677776, MeSH D061325, MONDO:0003582. Disease mechanism: loss of function.
Breast-ovarian cancer, familial, susceptibility to, 2 (BROVCA2). Also called: BRCA2 Hereditary Breast and Ovarian Cancer. Identifiers: Orphanet 145, MedGen C2675520, MONDO:0012933, OMIM 612555. Disease mechanism: loss of function.

Submissions (4):

Labcorp Genetics (formerly Invitae), Labcorp
Classification: Pathogenic for Hereditary breast ovarian cancer syndrome. Last evaluated: 2025-03-04. Review status: criteria provided, single submitter. Criteria: Invitae Variant Classification Sherloc (09022015). Collection method: clinical testing. Allele origin: germline.
Comment: This sequence change creates a premature translational stop signal (p.Glu897*) in the BRCA2 gene. It is expected to result in an absent or disrupted protein product. Loss-of-function variants in BRCA2 are known to be pathogenic (PMID: 20104584). This variant is not present in population databases (gnomAD no frequency). This variant has not been reported in the literature in individuals affected with BRCA2-related conditions. ClinVar contains an entry for this variant (Variation ID: 487403). For these reasons, this variant has been classified as Pathogenic.

Ambry Genetics
Classification: Pathogenic for Hereditary cancer-predisposing syndrome. Last evaluated: 2025-01-17. Review status: criteria provided, single submitter. Criteria: Ambry Variant Classification Scheme 2023. Collection method: clinical testing. Allele origin: germline.
Comment: The p.E897* pathogenic mutation (also known as c.2689G>T), located in coding exon 10 of the BRCA2 gene, results from a G to T substitution at nucleotide position 2689. This changes the amino acid from a glutamic acid to a stop codon within coding exon 10. This variant is considered to be rare based on population cohorts in the Genome Aggregation Database (gnomAD). This alteration is expected to result in loss of function by premature protein truncation or nonsense-mediated mRNA decay. As such, this alteration is interpreted as a disease-causing mutation.

Quest Diagnostics Nichols Institute San Juan Capistrano
Classification: Likely pathogenic. Last evaluated: 2020-02-24. Review status: criteria provided, single submitter. Criteria: Quest Diagnostics criteria. Collection method: clinical testing. Allele origin: unknown.
Comment: The variant creates a premature nonsense codon, and is therefore predicted to result in the loss of a functional protein. Not found in the total gnomAD dataset, and the data is high quality.

Counsyl
Classification: Likely pathogenic for Breast-ovarian cancer, familial, susceptibility to, 2. Last evaluated: 2014-12-31. Review status: no assertion criteria provided. Collection method: clinical testing. Allele origin: unknown. Not counted in ClinVar's aggregate classification.

Literature cited by the submitters: PubMed 20104584 (cited by Labcorp Genetics (formerly Invitae), Labcorp).

NM_000059.4(BRCA2):c.2689G>T (p.Glu897Ter)

Gene: BRCA2 (BRCA2 DNA repair associated; plus strand). Cytogenetic location: 13q13.1.
Variant type: single nucleotide variant.
Coding change: c.2689G>T on transcript NM_000059.4 (MANE Select); coding-DNA position 2689, G replaced by T.
Protein change: p.Glu897Ter; replaces glutamic acid 897 with a stop codon.
Molecular consequence: nonsense.
Genome position (GRCh38, 1-based): chr13:32,337,044, G>T. VCF-style: chr13-32337044-G-T. GRCh37 (hg19) VCF-style: chr13-32911181-G-T.
Other names: short protein forms E897*.
Identifiers: ClinVar variation 487403 (VCV000487403.16), dbSNP rs979372317, ClinGen allele CA387773453.